The following is an entry in ClinVar:

ClinVar aggregate classification (germline): Uncertain significance (1 of 4 stars; one submission).

Conditions:
Osteogenesis imperfecta type I (OI1). Also called: Lobstein's Disease; Classic Non-deforming Osteogenesis Imperfecta with Blue Sclerae; Lobstein disease; OI, TYPE I; OSTEOGENESIS IMPERFECTA TARDA; OSTEOGENESIS IMPERFECTA WITH BLUE SCLERAE. Identifiers: Orphanet 216796, Orphanet 666, MedGen C0023931, MONDO:0008146, OMIM 166200. Disease mechanism: loss of function.
Ehlers-Danlos syndrome, classic type, 1 (EDSCL1). Also called: Ehlers-Danlos syndrome, type 1; Ehlers-Danlos Syndrome, Classic Type, COL5A1-Related; EDS I; EHLERS-DANLOS SYNDROME, GRAVIS TYPE; EHLERS-DANLOS SYNDROME, SEVERE CLASSIC TYPE. Identifiers: MedGen C0268335, MONDO:0019567, OMIM 130000.

Submission:

Labcorp Genetics (formerly Invitae), Labcorp
Classification: Uncertain significance for Osteogenesis imperfecta type I; Ehlers-Danlos syndrome, classic type, 1. Last evaluated: 2019-11-25. Review status: criteria provided, single submitter. Criteria: Invitae Variant Classification Sherloc (09022015). Collection method: clinical testing. Allele origin: germline.
Comment: Algorithms developed to predict the effect of missense changes on protein structure and function are either unavailable or do not agree on the potential impact of this missense change (SIFT: "Deleterious"; PolyPhen-2: "Not Available"; Align-GVGD: "Class C35"). In summary, the available evidence is currently insufficient to determine the role of this variant in disease. Therefore, it has been classified as a Variant of Uncertain Significance. This variant has not been reported in the literature in individuals with COL1A2-related conditions. This variant is not present in population databases (ExAC no frequency). This sequence change replaces proline with threonine at codon 326 of the COL1A2 protein (p.Pro326Thr). The proline residue is highly conserved and there is a small physicochemical difference between proline and threonine.

NM_000089.4(COL1A2):c.976C>A (p.Pro326Thr)

Gene: COL1A2 (collagen type I alpha 2 chain; plus strand). Cytogenetic location: 7q21.3.
Variant type: single nucleotide variant.
Coding change: c.976C>A on transcript NM_000089.4 (MANE Select); coding-DNA position 976, C replaced by A.
Protein change: p.Pro326Thr; replaces proline 326 with threonine.
Molecular consequence: missense variant.
Genome position (GRCh38, 1-based): chr7:94,409,762, C>A. VCF-style: chr7-94409762-C-A. GRCh37 (hg19) VCF-style: chr7-94039074-C-A.
Other names: short protein forms P326T.
Identifiers: ClinVar variation 843489 (VCV000843489.11), dbSNP rs1791879479, ClinGen allele CA368220903.